The following is an entry in ClinVar:

NM_000023.4(SGCA):c.308T>C (p.Ile103Thr)

Gene: SGCA (sarcoglycan alpha; plus strand). Cytogenetic location: 17q21.33.
Variant type: single nucleotide variant.
Coding change: c.308T>C on transcript NM_000023.4 (MANE Select); coding-DNA position 308, T replaced by C.
Protein change: p.Ile103Thr; replaces isoleucine 103 with threonine.
Molecular consequence: missense variant. On other transcripts: non-coding transcript variant (1).
Genome position (GRCh38, 1-based): chr17:50,167,732, T>C. VCF-style: chr17-50167732-T-C. GRCh37 (hg19) VCF-style: chr17-48245093-T-C.
Other names: c.308T>C (NM_000023.3); c.308T>C, p.Ile103Thr (NM_001135697.3); short protein forms I103T.
Identifiers: ClinVar variation 556014 (VCV000556014.17), dbSNP rs1161291343, ClinGen allele CA400177998.
Genomic context (GRCh38, chr17:50,167,732, plus strand): 5'-CCCACCACCCTGGCTTCCTCTACGGCTCTGCCACCCCAGAAGATCGTGGGCTCCAGGTCA[T>C]TGAGGTGCCGTCAGGGACCCTGAGAAAATCACAGGGGTGGGCCAGAGTGGCCTCCTAGGA-3'
Protein context (NP_000014.1, residues 93-113): ATPEDRGLQV[Ile103Thr]EVTAYNRDSF

ClinVar aggregate classification (germline): Pathogenic/Likely pathogenic. Review status: criteria provided, multiple submitters, no conflicts (2 of 4 stars). 6 submissions from 6 submitters: Pathogenic (1); Likely pathogenic (4). 1 of the submissions does not count toward it. Last evaluated 2025-05-16.

Conditions:
SGCA-related disorder. Also called: SGCA-related condition.
Autosomal recessive limb-girdle muscular dystrophy type 2D (LGMDR3). Also called: ADHALINOPATHY, PRIMARY; MUSCULAR DYSTROPHY, LIMB-GIRDLE, AUTOSOMAL RECESSIVE 3; DUCHENNE-LIKE AUTOSOMAL RECESSIVE MUSCULAR DYSTROPHY, TYPE 2. Identifiers: Orphanet 62, MedGen C2936332, MONDO:0011968, OMIM 608099. Disease mechanism: Affects gamma-sarcoglycan and also disrupts the integrity of the entire sarcoglycan complex..

Allele frequency attached by ClinVar (database versions not stated): gnomAD exomes below 0.00001 and 0.00001.
gnomAD v4.1: 20 of 1,609,336 alleles (0.0012%); highest among the groups gnomAD compares: Non-Finnish European, 0.0016%; no homozygotes.

Submissions (6):

Myriad Genetics, Inc.
Classification: Likely pathogenic for Autosomal recessive limb-girdle muscular dystrophy type 2D. Last evaluated: 2025-05-16. Review status: criteria provided, single submitter. Criteria: Myriad Autosomal Dominant, Autosomal Recessive and X-Linked Classification Criteria (2023). Collection method: clinical testing. Allele origin: unknown.
Comment: NM_000023.2(SGCA):c.308T>C(I103T) is a missense variant classified as likely pathogenic in the context of alpha-sarcoglycanopathy. I103T has been observed in cases with relevant disease (PMID: 9032047, 38876406, 25135358, Catteruccia_2019_(Abstract), 34281632). Relevant functional assessments of this variant are not available in the literature. I103T has been observed in referenced population frequency databases. In summary, NM_000023.2(SGCA):c.308T>C(I103T) is a missense variant that has been observed more frequently in cases with the relevant disease than in healthy populations. Please note: this variant was assessed in the context of healthy population screening.

Labcorp Genetics (formerly Invitae), Labcorp
Classification: Pathogenic for Autosomal recessive limb-girdle muscular dystrophy type 2D. Last evaluated: 2025-05-13. Review status: criteria provided, single submitter. Criteria: Invitae Variant Classification Sherloc (09022015). Collection method: clinical testing. Allele origin: germline.
Comment: This sequence change replaces isoleucine, which is neutral and non-polar, with threonine, which is neutral and polar, at codon 103 of the SGCA protein (p.Ile103Thr). This variant is present in population databases (no rsID available, gnomAD 0.0009%). This missense change has been observed in individual(s) with limb-girdle muscular dystrophy (PMID: 9032047, 25135358). ClinVar contains an entry for this variant (Variation ID: 556014). Invitae Evidence Modeling of protein sequence and biophysical properties (such as structural, functional, and spatial information, amino acid conservation, physicochemical variation, residue mobility, and thermodynamic stability) indicates that this missense variant is expected to disrupt SGCA protein function with a positive predictive value of 95%. This variant disrupts the p.Ile103 amino acid residue in SGCA. Other variant(s) that disrupt this residue have been observed in individuals with SGCA-related conditions (PMID: 17994539; internal data), which suggests that this may be a clinically significant amino acid residue. For these reasons, this variant has been classified as Pathogenic.

Natera, Inc.
Classification: Likely pathogenic for Limb-girdle muscular dystrophy type 2D. Last evaluated: 2024-12-11. Review status: criteria provided, single submitter. Criteria: Natera Variant Classification Schema (03/2026). Collection method: clinical testing. Allele origin: germline.
Comment: The c.308T>C variant in SGCA is a missense variant predicted to cause substitution of isoleucine to threonine at amino acid 103. This variant is rare in the general population with a frequency below the threshold expected for the associated phenotype(s). This variant has been observed in one or more individuals affected with the associated recessive disease, as either homozygous or compound heterozygous with a second variant (PMID: 25135358, 9032047, 38876406, 37526466). A different variant at the same position has been determined to be Pathogenic or Likely Pathogenic. Computational prediction algorithms indicate this variant is likely to affect gene or protein function. Given the available evidence, this variant is classified as Likely Pathogenic.

Blueprint Genetics
Classification: Likely pathogenic for SGCA-related disorders. Last evaluated: 2024-09-04. Review status: criteria provided, single submitter. Criteria: ACMG Guidelines, 2015. Collection method: clinical testing. Allele origin: germline. Affected: yes. Observed: 1 variant allele.

Revvity Omics, Revvity
Classification: Likely pathogenic for Autosomal recessive limb-girdle muscular dystrophy type 2D. Last evaluated: 2024-04-18. Review status: criteria provided, single submitter. Criteria: ACMG Guidelines, 2015. Collection method: clinical testing. Allele origin: germline.

Counsyl
Classification: Uncertain significance for Autosomal recessive limb-girdle muscular dystrophy type 2D. Last evaluated: 2018-01-08. Review status: no assertion criteria provided. Collection method: clinical testing. Allele origin: unknown. Not counted in ClinVar's aggregate classification.

Literature cited by the submitters: PubMed 9032047 (cited by 3 submitters); PubMed 25135358 (cited by 3 submitters); PubMed 17994539 (cited by Labcorp Genetics (formerly Invitae), Labcorp); PubMed 38876406 (cited by Natera, Inc.); PubMed 37526466 (cited by Natera, Inc.).